The following is an entry in ClinVar:

ClinVar aggregate classification (germline): Likely pathogenic (1 of 4 stars; one submission).

Conditions:
Hereditary cancer-predisposing syndrome. Also called: Neoplastic Syndromes, Hereditary; Tumor predisposition; Hereditary Cancer Syndrome; Hereditary neoplastic syndrome. Identifiers: Orphanet 140162, MedGen C0027672, MeSH D009386, MONDO:0015356.

Submission:

Ambry Genetics
Classification: Likely pathogenic for Hereditary cancer-predisposing syndrome. Last evaluated: 2025-01-02. Review status: criteria provided, single submitter. Criteria: Ambry Variant Classification Scheme 2023. Collection method: clinical testing. Allele origin: germline.
Comment: The p.T281R variant (also known as c.842C>G), located in coding exon 6 of the FH gene, results from a C to G substitution at nucleotide position 842. The threonine at codon 281 is replaced by arginine, an amino acid with similar properties. This alteration has been observed in at least one individual with a personal and/or family history that is consistent with FH-related disease (Ambry internal data). Another alteration at the same codon, p.T281A (c.841A>G), has also been identified in an individual with FH-related disease (Muller M et al. Clin Genet, 2017 Dec;92:606-615). This amino acid position is highly conserved in available vertebrate species. In addition, this alteration is predicted to be deleterious by in silico analysis. This variant is considered to be rare based on population cohorts in the Genome Aggregation Database (gnomAD). Based on the majority of available evidence to date, this variant is likely to be pathogenic.

NM_000143.4(FH):c.842C>G (p.Thr281Arg)

Gene: FH (fumarate hydratase; minus strand). Cytogenetic location: 1q43.
Variant type: single nucleotide variant.
Coding change: c.842C>G on transcript NM_000143.4 (MANE Select); coding-DNA position 842, C replaced by G.
Protein change: p.Thr281Arg; replaces threonine 281 with arginine.
Molecular consequence: missense variant.
Genome position (GRCh38, 1-based): chr1:241,506,065, G>C on the plus strand (C>G on the coding strand, the complement: FH is on the minus strand). VCF-style: chr1-241506065-G-C. GRCh37 (hg19) VCF-style: chr1-241669365-G-C.
Other names: short protein forms T281R.
Identifiers: ClinVar variation 1763347 (VCV001763347.4), dbSNP rs1573881633, ClinGen allele CA345438913.
Genomic context (GRCh38, chr1:241,506,065, plus strand): 5'-GTAAGTGCAGCCACTTTTGCAGCAACCTTTTCTGCAAAGCCAATTCTAGTATTTAAACCT[G>C]TACCAACAGCAGTGCCTCCAGCTGCGAGCTCATAGATTCTTGGCATGGCAGCTTTTATTC-3'
Protein context (NP_000134.2, residues 271-291): ELAAGGTAVG[Thr281Arg]GLNTRIGFAE